The following is an entry in ClinVar:

ClinVar aggregate classification (germline): Uncertain significance (1 of 4 stars; one submission).

Conditions:
Genitopatellar syndrome (GTPTS). Also called: Genitopatellar syndrome (GPS); ABSENT PATELLAE, SCROTAL HYPOPLASIA, RENAL ANOMALIES, FACIAL DYSMORPHISM, AND MENTAL RETARDATION. Identifiers: Orphanet 85201, MedGen C1853566, MONDO:0011640, OMIM 606170.

gnomAD v4.1: 1 of 1,613,558 alleles (0.000062%); highest among the groups gnomAD compares: Non-Finnish European, 0.000085%; no homozygotes.

Submission:

Labcorp Genetics (formerly Invitae), Labcorp
Classification: Uncertain significance for Genitopatellar syndrome. Last evaluated: 2024-10-14. Review status: criteria provided, single submitter. Criteria: Invitae Variant Classification Sherloc (09022015). Collection method: clinical testing. Allele origin: germline.
Comment: This sequence change replaces glutamic acid, which is acidic and polar, with glutamine, which is neutral and polar, at codon 1351 of the KAT6B protein (p.Glu1351Gln). This variant is not present in population databases (gnomAD no frequency). This variant has not been reported in the literature in individuals affected with KAT6B-related conditions. ClinVar contains an entry for this variant (Variation ID: 1897560). Invitae Evidence Modeling of protein sequence and biophysical properties (such as structural, functional, and spatial information, amino acid conservation, physicochemical variation, residue mobility, and thermodynamic stability) indicates that this missense variant is not expected to disrupt KAT6B protein function with a negative predictive value of 80%. In summary, the available evidence is currently insufficient to determine the role of this variant in disease. Therefore, it has been classified as a Variant of Uncertain Significance.

NM_012330.4(KAT6B):c.4051G>C (p.Glu1351Gln)

Gene: KAT6B (lysine acetyltransferase 6B; plus strand). Cytogenetic location: 10q22.2.
Variant type: single nucleotide variant.
Coding change: c.4051G>C on transcript NM_012330.4 (MANE Select); coding-DNA position 4051, G replaced by C.
Protein change: p.Glu1351Gln; replaces glutamic acid 1351 with glutamine.
Molecular consequence: missense variant.
Genome position (GRCh38, 1-based): chr10:75,028,875, G>C. VCF-style: chr10-75028875-G-C. GRCh37 (hg19) VCF-style: chr10-76788633-G-C.
Other names: c.3502G>C, p.Glu1168Gln (NM_001256468.2, NM_001370138.1); c.3175G>C, p.Glu1059Gln (NM_001256469.2, NM_001370139.1, NM_001370140.1 and 2 more transcripts); c.3013G>C, p.Glu1005Gln (NM_001370132.1); c.2362G>C, p.Glu788Gln (NM_001370133.1); c.1966G>C, p.Glu656Gln (NM_001370134.1); c.1708G>C, p.Glu570Gln (NM_001370135.1); c.4051G>C, p.Glu1351Gln (NM_001370136.1, NM_001370137.1); c.2986G>C, p.Glu996Gln (NM_001370143.1, NM_001370144.1); short protein forms E656Q, E1168Q, E1351Q, E1005Q, E1059Q, E788Q, E996Q, E570Q.
Identifiers: ClinVar variation 1897560 (VCV001897560.5), dbSNP rs747945298, ClinGen allele CA377295180.
Genomic context (GRCh38, chr10:75,028,875, plus strand): 5'-GCCCCTGTAAGTCCAAACACATCACCAGGTGAAAAACCAGAAGATGATCTCATCAAACCT[G>C]AGGAAGAGGAAGAGGAGGAGGAGGAGGAAGAGGAAGAAGAGGAAGAAGAGGAAGGGGAAG-3'
Protein context (NP_036462.2, residues 1341-1361): EKPEDDLIKP[Glu1351Gln]EEEEEEEEEE